The following is an entry in ClinVar:

ClinVar aggregate classification (germline): Uncertain significance. Review status: criteria provided, multiple submitters, no conflicts (2 of 4 stars). 4 submissions from 4 submitters: Uncertain significance (4). Last evaluated 2025-07-31.

Conditions:
Inborn genetic diseases. Identifiers: MedGen C0950123, MeSH D030342.
NEK8-related disorder. Also called: NEK8-related condition.
Nephronophthisis 9 (NPHP9). Identifiers: Orphanet 655, MedGen C3151188, MONDO:0013444, OMIM 613824.

Allele frequency attached by ClinVar (database versions not stated): gnomAD 0.00002.
gnomAD v4.1: 14 of 1,614,164 alleles (0.00087%); highest among the groups gnomAD compares: East Asian, 0.011%; no homozygotes.

Submissions (4):

PreventionGenetics, part of Exact Sciences
Classification: Uncertain significance for NEK8-related condition. Last evaluated: 2025-07-31. Review status: criteria provided, single submitter. Criteria: ACMG Guidelines, 2015. Collection method: clinical testing. Allele origin: germline.
Comment: The NEK8 c.1496G>A variant is predicted to result in the amino acid substitution p.Arg499Gln. To our knowledge, this variant has not been reported in the literature. This variant is reported in 0.0065% of alleles in individuals of South Asian descent in gnomAD. At this time, the clinical significance of this variant is uncertain due to the absence of conclusive functional and genetic evidence.

Labcorp Genetics (formerly Invitae), Labcorp
Classification: Uncertain significance for Nephronophthisis 9. Last evaluated: 2024-10-08. Review status: criteria provided, single submitter. Criteria: Invitae Variant Classification Sherloc (09022015). Collection method: clinical testing. Allele origin: germline.
Comment: This sequence change replaces arginine, which is basic and polar, with glutamine, which is neutral and polar, at codon 499 of the NEK8 protein (p.Arg499Gln). This variant is present in population databases (rs770946405, gnomAD 0.006%). This variant has not been reported in the literature in individuals affected with NEK8-related conditions. ClinVar contains an entry for this variant (Variation ID: 2072656). An algorithm developed to predict the effect of missense changes on protein structure and function outputs the following: PolyPhen-2: "Benign". The glutamine amino acid residue is found in multiple mammalian species, which suggests that this missense change does not adversely affect protein function. In summary, the available evidence is currently insufficient to determine the role of this variant in disease. Therefore, it has been classified as a Variant of Uncertain Significance.

Blueprint Genetics
Classification: Uncertain significance. Last evaluated: 2024-05-21. Review status: criteria provided, single submitter. Criteria: ACMG Guidelines, 2015. Collection method: clinical testing. Allele origin: germline.

Ambry Genetics
Classification: Uncertain significance for Inborn genetic diseases. Last evaluated: 2024-01-30. Review status: criteria provided, single submitter. Criteria: Ambry Variant Classification Scheme 2023. Collection method: clinical testing. Allele origin: germline.

NM_178170.3(NEK8):c.1496G>A (p.Arg499Gln)

Gene: NEK8 (NIMA related kinase 8; plus strand). Cytogenetic location: 17q11.2.
Variant type: single nucleotide variant.
Coding change: c.1496G>A on transcript NM_178170.3 (MANE Select); coding-DNA position 1496, G replaced by A.
Protein change: p.Arg499Gln; replaces arginine 499 with glutamine.
Molecular consequence: missense variant.
Genome position (GRCh38, 1-based): chr17:28,740,541, G>A. VCF-style: chr17-28740541-G-A. GRCh37 (hg19) VCF-style: chr17-27067559-G-A.
Other names: c.1496G>A (NM_178170.2); short protein forms R499Q.
Identifiers: ClinVar variation 2072656 (VCV002072656.6), dbSNP rs770946405, ClinGen allele CA8467457.
Genomic context (GRCh38, chr17:28,740,541, plus strand): 5'-CCAGGGAGTCCCACAGCTGCCCCCAGCAGGTGCCCATGCCCCCAGGACAGGAAGCTCAGC[G>A]AGTTGTATGTGGTATCGATTCCTCCATGATCCTCACTGTGCCTGGCCAAGCCCTAGCCTG-3'
Protein context (NP_835464.1, residues 489-509): VPMPPGQEAQ[Arg499Gln]VVCGIDSSMI